The following is an entry in ClinVar:

ClinVar aggregate classification (germline): Uncertain significance. Review status: criteria provided, multiple submitters, no conflicts (2 of 4 stars). 2 submissions from 2 submitters: Uncertain significance (2). Last evaluated 2025-08-19.

Allele frequency attached by ClinVar (database versions not stated): gnomAD 0.00007 and 0.00008; gnomAD exomes 0.00007 and 0.00019; ESP Exome Variant Server 0.00008; TOPMed 0.00009; 1000 Genomes Project 30x 0.00016; 1000 Genomes Project 0.00020; ExAC 0.00022.

Submissions (2):

Labcorp Genetics (formerly Invitae), Labcorp
Classification: Uncertain significance. Last evaluated: 2025-08-19. Review status: criteria provided, single submitter. Criteria: Invitae Variant Classification Sherloc (09022015). Collection method: clinical testing. Allele origin: germline.
Comment: This sequence change replaces arginine, which is basic and polar, with tryptophan, which is neutral and slightly polar, at codon 88 of the SPP2 protein (p.Arg88Trp). This variant is present in population databases (rs149868175, gnomAD 0.1%), and has an allele count higher than expected for a pathogenic variant. This variant has not been reported in the literature in individuals affected with SPP2-related conditions. ClinVar contains an entry for this variant (Variation ID: 1482188). An algorithm developed to predict the effect of missense changes on protein structure and function (PolyPhen-2) suggests that this variant is likely to be tolerated. In summary, the available evidence is currently insufficient to determine the role of this variant in disease. Therefore, it has been classified as a Variant of Uncertain Significance.

Blueprint Genetics
Classification: Uncertain significance. Last evaluated: 2022-01-25. Review status: criteria provided, single submitter. Criteria: ACMG Guidelines, 2015. Collection method: clinical testing. Allele origin: germline.

NM_006944.3(SPP2):c.262C>T (p.Arg88Trp)

Gene: SPP2 (secreted phosphoprotein 2; plus strand). Cytogenetic location: 2q37.1.
Variant type: single nucleotide variant.
Coding change: c.262C>T on transcript NM_006944.3 (MANE Select); coding-DNA position 262, C replaced by T.
Protein change: p.Arg88Trp; replaces arginine 88 with tryptophan.
Molecular consequence: missense variant.
Genome position (GRCh38, 1-based): chr2:234,058,887, C>T. VCF-style: chr2-234058887-C-T. GRCh37 (hg19) VCF-style: chr2-234967531-C-T.
Other names: short protein forms R88W.
Identifiers: ClinVar variation 1482188 (VCV001482188.7), dbSNP rs149868175, ClinGen allele CA2183133.
Genomic context (GRCh38, chr2:234,058,887, plus strand): 5'-TTTGTGAAGGTTGAGGTCCTAGATGAGAACAACTTGGTCATGAATTTAGAGTTCAGCATC[C>T]GGGAGACTACATGCAGGAAGGATTCTGGAGAAGATCCCGCTACATGTGCCTTCCAGAGGG-3'
Protein context (NP_008875.1, residues 78-98): NLVMNLEFSI[Arg88Trp]ETTCRKDSGE